The following is an entry in ClinVar:

NM_003743.5(NCOA1):c.27C>A (p.Ser9=)

Gene: NCOA1 (nuclear receptor coactivator 1; plus strand). Cytogenetic location: 2p23.3.
Variant type: single nucleotide variant.
Coding change: c.27C>A on transcript NM_003743.5 (MANE Select); coding-DNA position 27, C replaced by A.
Protein change: p.Ser9=; no amino-acid change (serine 9 retained).
Molecular consequence: synonymous variant.
Genome position (GRCh38, 1-based): chr2:24,658,704, C>A. VCF-style: chr2-24658704-C-A. GRCh37 (hg19) VCF-style: chr2-24881573-C-A.
Other names: c.27C>A, p.Ser9= (NM_001362950.1, NM_001362952.1, NM_001362954.1 and 3 more transcripts).
Identifiers: ClinVar variation 3051391 (VCV003051391.2), dbSNP rs200358365, ClinGen allele CA1551917.
Genomic context (GRCh38, chr2:24,658,704, plus strand): 5'-TTGTCCTTCCTGTTTAGGTGTGAAGTTTTTCAACATGAGTGGCCTCGGGGACAGTTCATC[C>A]GACCCTGCTAACCCAGACTCACATAAGAGGAAAGGATCGCCATGTGACACACTGGCATCA-3'
Protein context (NP_003734.3, residues 1-19): MSGLGDSS[Ser9=]DPANPDSHKR

ClinVar aggregate classification (germline): Likely benign (0 of 4 stars; one submission).

Conditions:
NCOA1-related disorder. Also called: NCOA1-related condition.

gnomAD v4.1: 10 of 1,613,826 alleles (0.00062%); highest among the groups gnomAD compares: Admixed American, 0.015%; no homozygotes.

Submission:

PreventionGenetics, part of Exact Sciences
Classification: Likely benign for NCOA1-related condition. Last evaluated: 2022-07-28. Review status: no assertion criteria provided. Collection method: clinical testing. Allele origin: germline.
Comment: This variant is classified as likely benign based on ACMG/AMP sequence variant interpretation guidelines (Richards et al. 2015 PMID: 25741868, with internal and published modifications).